The following is an entry in ClinVar:

ClinVar aggregate classification (germline): Uncertain significance (1 of 4 stars; one submission).

Allele frequency attached by ClinVar (database versions not stated): TOPMed below 0.00001; gnomAD 0.00001.
gnomAD v4.1: 1 of 1,613,974 alleles (0.000062%); highest among the groups gnomAD compares: Admixed American, 0.0017%; no homozygotes.

Submission:

Labcorp Genetics (formerly Invitae), Labcorp
Classification: Uncertain significance. Last evaluated: 2022-03-22. Review status: criteria provided, single submitter. Criteria: Invitae Variant Classification Sherloc (09022015). Collection method: clinical testing. Allele origin: germline.
Comment: This sequence change replaces glycine, which is neutral and non-polar, with aspartic acid, which is acidic and polar, at codon 190 of the TMEM199 protein (p.Gly190Asp). This variant is not present in population databases (gnomAD no frequency). This variant has not been reported in the literature in individuals affected with TMEM199-related conditions. Algorithms developed to predict the effect of missense changes on protein structure and function are either unavailable or do not agree on the potential impact of this missense change (SIFT: "Deleterious"; PolyPhen-2: "Probably Damaging"; Align-GVGD: "Class C15"). In summary, the available evidence is currently insufficient to determine the role of this variant in disease. Therefore, it has been classified as a Variant of Uncertain Significance.

NM_152464.3(VMA12):c.569G>A (p.Gly190Asp)

Gene: VMA12 (vacuolar ATPase assembly factor VMA12; plus strand). Cytogenetic location: 17q11.2.
Variant type: single nucleotide variant.
Coding change: c.569G>A on transcript NM_152464.3 (MANE Select); coding-DNA position 569, G replaced by A.
Protein change: p.Gly190Asp; replaces glycine 190 with aspartic acid.
Molecular consequence: missense variant.
Genome position (GRCh38, 1-based): chr17:28,361,194, G>A. VCF-style: chr17-28361194-G-A. GRCh37 (hg19) VCF-style: chr17-26688216-G-A.
Other names: short protein forms G190D.
Identifiers: ClinVar variation 2037684 (VCV002037684.4), dbSNP rs1481321479, ClinGen allele CA398316439.